The following is an entry in ClinVar:

NM_002335.4(LRP5):c.2384A>G (p.Asn795Ser)

Gene: LRP5 (LDL receptor related protein 5; plus strand). Cytogenetic location: 11q13.2.
Variant type: single nucleotide variant.
Coding change: c.2384A>G on transcript NM_002335.4 (MANE Select); coding-DNA position 2384, A replaced by G.
Protein change: p.Asn795Ser; replaces asparagine 795 with serine.
Molecular consequence: missense variant.
Genome position (GRCh38, 1-based): chr11:68,411,501, A>G. VCF-style: chr11-68411501-A-G. GRCh37 (hg19) VCF-style: chr11-68178969-A-G.
Other names: c.641A>G, p.Asn214Ser (NM_001291902.2); short protein forms N795S, N214S.
Identifiers: ClinVar variation 424091 (VCV000424091.2), dbSNP rs368485424, ClinGen allele CA6149620.
Genomic context (GRCh38, chr11:68,411,501, plus strand): 5'-TCTACTGGACCGAGTGGGGCGGCAAGCCGAGGATCGTGCGGGCCTTCATGGACGGGACCA[A>G]CTGCATGACGCTGGTGGACAAGGTGGGCCGGGCCAACGACCTCACCATTGACTACGCTGA-3'
Protein context (NP_002326.2, residues 785-805): RIVRAFMDGT[Asn795Ser]CMTLVDKVGR

ClinVar aggregate classification (germline): Uncertain significance (1 of 4 stars; one submission).

Allele frequency attached by ClinVar (database versions not stated): gnomAD exomes below 0.00001; ExAC 0.00001; ESP Exome Variant Server 0.00008.
gnomAD v4.1: 1 of 1,613,676 alleles (0.000062%); highest among the groups gnomAD compares: Non-Finnish European, 0.000085%; no homozygotes.

Submission:

GeneDx
Classification: Uncertain significance. Last evaluated: 2017-03-02. Review status: criteria provided, single submitter. Criteria: GeneDx Variant Classification (06012015). Collection method: clinical testing. Allele origin: germline. Affected: yes.
Comment: TThe N795S variant in the LRP5 gene has not been reported previously as a pathogenic variant, nor as a benign variant, to our knowledge. This variant was is observed in 1/65998 (0.002%) alleles from individuals of European background in the ExAC dataset and in 1/8588 (0.01%) alleles from individuals of European background in the NHLBI Exome Sequencing Project (Lek et al., 2016; Exome Variant Server). The N795S variant is a conservative amino acid substitution, which is not likely to impact secondary protein structure as these residues share similar properties, and occurs at a position that is not conserved. In silico analysis is inconsistent in its predictions as to whether or not the variant is damaging to the protein structure/function. We interpret N795S as a variant of uncertain significance.